The following is an entry in ClinVar:

NM_000797.4(DRD4):c.235_247del (p.Ala79fs)

Gene: DRD4 (dopamine receptor D4; plus strand). Cytogenetic location: 11p15.5.
Variant type: Deletion.
Coding change: c.235_247del on transcript NM_000797.4 (MANE Select); coding-DNA positions 235 to 247, 13 bases deleted (GCCGACCTCCTCC).
Protein change: p.Ala79fs; shifts the reading frame from alanine 79.
Molecular consequence: frameshift variant.
Genome position (GRCh38, 1-based): chr11:637,539-637,551, GCCGACCTCCTCC deleted; deleting any 13 consecutive bases within chr11:637,537-637,551 gives the same sequence; the c. name uses the placement nearest the transcript's 3' end. VCF-style (leftmost placement, unchanged base first): chr11-637536-GCCGCCGACCTCCT-G. GRCh37 (hg19) VCF-style: chr11-637536-GCCGCCGACCTCCT-G.
Other names: short protein forms A79fs.
Identifiers: ClinVar variation 16767 (VCV000016767.17), dbSNP rs587776842, ClinGen allele CA126863.
Genomic context (GRCh38, chr11:637,536, plus strand): 5'-AGCGTGGCCACCGAGCGCGCCCTGCAGACGCCCACCAACTCCTTCATCGTGAGCCTGGCG[GCCGCCGACCTCCT>G]CCTCGCTCTCCTGGTGCTGCCGCTCTTCGTCTACTCCGAGGTGAGCCGCGTCCGGCCGCA-3'

ClinVar aggregate classification (germline): Benign/Likely benign. Review status: criteria provided, multiple submitters, no conflicts (2 of 4 stars). 5 submissions from 5 submitters: Benign (1); Likely benign (1). 3 of the submissions do not count toward it. Last evaluated 2025-01-01.

Conditions:
DRD4-related disorder. Also called: DRD4-related condition.
AUTONOMIC NERVOUS SYSTEM DYSFUNCTION. Identifiers: MedGen C4016022.

Submissions (5):

CeGaT Center for Human Genetics Tuebingen
Classification: Benign. Last evaluated: 2025-01-01. Review status: criteria provided, single submitter. Criteria: CeGaT Center For Human Genetics Tuebingen Variant Classification Criteria Version 2. Collection method: clinical testing. Allele origin: germline. Affected: yes. Observed: 1 variant allele.
Comment: DRD4: BS1, BS2

Department of Pathology and Laboratory Medicine, Sinai Health System
Classification: Likely benign for DRD4-related condition. Last evaluated: 2021-12-30. Review status: criteria provided, single submitter. Criteria: ACMG Guidelines, 2015. Collection method: research. Allele origin: germline.

OMIM
Classification: Pathogenic for AUTONOMIC NERVOUS SYSTEM DYSFUNCTION. Last evaluated: 1994-12-01. Review status: no assertion criteria provided. Collection method: literature only. Allele origin: unknown. Not counted in ClinVar's aggregate classification.

Clinical Genetics DNA and cytogenetics Diagnostics Lab, Erasmus MC, Erasmus Medical Center
Classification: Benign. Review status: no assertion criteria provided. Collection method: clinical testing. Allele origin: germline. Affected: yes. Study: VKGL Data-share Consensus. Not counted in ClinVar's aggregate classification.

Laboratory of Diagnostic Genome Analysis, Leiden University Medical Center (LUMC)
Classification: Likely benign. Review status: no assertion criteria provided. Collection method: clinical testing. Allele origin: germline. Affected: yes. Study: VKGL Data-share Consensus. Not counted in ClinVar's aggregate classification.

Literature cited by the submitters: PubMed 7881421 (cited by OMIM).